The following is an entry in ClinVar:

ClinVar aggregate classification (germline): Uncertain significance (1 of 4 stars; one submission).

Submission:

GeneDx
Classification: Uncertain significance. Last evaluated: 2020-01-31. Review status: criteria provided, single submitter. Criteria: GeneDx Variant Classification Process June 2021. Collection method: clinical testing. Allele origin: germline. Affected: yes.
Comment: Not observed in large population cohorts (Lek et al., 2016); In silico analysis supports that this missense variant does not alter protein structure/function; Has not been previously published as pathogenic or benign to our knowledge

NM_002608.4(PDGFB):c.502G>T (p.Ala168Ser)

Gene: PDGFB (platelet derived growth factor subunit B; minus strand). Cytogenetic location: 22q13.1.
Variant type: single nucleotide variant.
Coding change: c.502G>T on transcript NM_002608.4 (MANE Select); coding-DNA position 502, G replaced by T.
Protein change: p.Ala168Ser; replaces alanine 168 with serine.
Molecular consequence: missense variant.
Genome position (GRCh38, 1-based): chr22:39,230,183, C>A on the plus strand (G>T on the coding strand, the complement: PDGFB is on the minus strand). VCF-style: chr22-39230183-C-A. GRCh37 (hg19) VCF-style: chr22-39626188-C-A.
Other names: c.457G>T, p.Ala153Ser (NM_033016.3); short protein forms A153S, A168S.
Identifiers: ClinVar variation 1318513 (VCV001318513.2), dbSNP rs2146436704, ClinGen allele CA411599877.